The following is an entry in ClinVar:

NM_022051.3(EGLN1):c.36C>G (p.Ser12Arg)

Gene: EGLN1 (egl-9 family hypoxia inducible factor 1; minus strand). Cytogenetic location: 1q42.2.
Variant type: single nucleotide variant.
Coding change: c.36C>G on transcript NM_022051.3 (MANE Select); coding-DNA position 36, C replaced by G.
Protein change: p.Ser12Arg; replaces serine 12 with arginine.
Molecular consequence: missense variant.
Genome position (GRCh38, 1-based): chr1:231,421,853, G>C on the plus strand (C>G on the coding strand, the complement: EGLN1 is on the minus strand). VCF-style: chr1-231421853-G-C. GRCh37 (hg19) VCF-style: chr1-231557599-G-C.
Other names: c.36C>G, p.Ser12Arg (NM_001377260.1, NM_001377261.1); short protein forms S12R.
Identifiers: ClinVar variation 3507234 (VCV003507234.1).

ClinVar aggregate classification (germline): Uncertain significance (1 of 4 stars; one submission).

Submission:

Ambry Genetics
Classification: Uncertain significance. Last evaluated: 2024-10-12. Review status: criteria provided, single submitter. Criteria: Ambry Variant Classification Scheme 2023. Collection method: clinical testing. Allele origin: germline.
Comment: The p.S12R variant (also known as c.36C>G), located in coding exon 1 of the EGLN1 gene, results from a C to G substitution at nucleotide position 36. The serine at codon 12 is replaced by arginine, an amino acid with dissimilar properties. This amino acid position is conserved. In addition, this alteration is predicted to be tolerated by in silico analysis. Based on the available evidence, the clinical significance of this variant remains unclear.